The following is an entry in ClinVar:

ClinVar aggregate classification (germline): Uncertain significance. Review status: criteria provided, multiple submitters, no conflicts (2 of 4 stars). 3 submissions from 3 submitters: Uncertain significance (3). Last evaluated 2024-08-06.

Conditions:
Hereditary cancer-predisposing syndrome. Also called: Neoplastic Syndromes, Hereditary; Tumor predisposition; Hereditary Cancer Syndrome; Hereditary neoplastic syndrome. Identifiers: Orphanet 140162, MedGen C0027672, MeSH D009386, MONDO:0015356.
Lynch syndrome. Identifiers: Orphanet 144, MedGen C4552100, MONDO:0005835. Disease mechanism: loss of function.
Hereditary nonpolyposis colorectal neoplasms. Identifiers: MedGen C0009405, MeSH D003123.

gnomAD v4.1: 3 of 1,612,960 alleles (0.00019%); highest among the groups gnomAD compares: Non-Finnish European, 0.00025%; no homozygotes.

Submissions (3):

All of Us Research Program, National Institutes of Health
Classification: Uncertain significance for Lynch syndrome. Last evaluated: 2024-08-06. Review status: criteria provided, single submitter. Criteria: ACMG Guidelines, 2015. Collection method: clinical testing. Allele origin: germline. Inheritance: Autosomal dominant inheritance. Observed: 1 variant allele, 1 heterozygote.
Comment: This study involves interpretation of variants in research participants for the purpose of population health screening. Participant phenotype was not available at the time of variant classification. Additional details can be found in publication PMID: 35346344, PMCID: PMC8962531

Labcorp Genetics (formerly Invitae), Labcorp
Classification: Uncertain significance for Hereditary nonpolyposis colorectal neoplasms. Last evaluated: 2021-05-07. Review status: criteria provided, single submitter. Criteria: Invitae Variant Classification Sherloc (09022015). Collection method: clinical testing. Allele origin: germline.
Comment: In summary, the available evidence is currently insufficient to determine the role of this variant in disease. Therefore, it has been classified as a Variant of Uncertain Significance. Algorithms developed to predict the effect of missense changes on protein structure and function (SIFT, PolyPhen-2, Align-GVGD) all suggest that this variant is likely to be disruptive, but these predictions have not been confirmed by published functional studies and their clinical significance is uncertain. This variant has not been reported in the literature in individuals with MSH6-related conditions. This variant is not present in population databases (ExAC no frequency). This sequence change replaces histidine with asparagine at codon 837 of the MSH6 protein (p.His837Asn). The histidine residue is highly conserved and there is a small physicochemical difference between histidine and asparagine.

Ambry Genetics
Classification: Uncertain significance for Hereditary cancer-predisposing syndrome. Last evaluated: 2018-05-09. Review status: criteria provided, single submitter. Criteria: Ambry Variant Classification Scheme 2023. Collection method: clinical testing. Allele origin: germline.
Comment: The p.H837N variant (also known as c.2509C>A), located in coding exon 4 of the MSH6 gene, results from a C to A substitution at nucleotide position 2509. The histidine at codon 837 is replaced by asparagine, an amino acid with similar properties. This amino acid position is highly conserved in available vertebrate species. In addition, this alteration is predicted to be deleterious by in silico analysis. In addition, the CoDP in silico tool predicts this alteration to have a minor impact on molecular function, with a score of 0.008 (Terui H et al. J. Biomed. Sci. 2013 Apr;20:25). Since supporting evidence is limited at this time, the clinical significance of this alteration remains unclear.

NM_000179.3(MSH6):c.2509C>A (p.His837Asn)

Gene: MSH6 (mutS homolog 6; plus strand). Cytogenetic location: 2p16.3.
Variant type: single nucleotide variant.
Coding change: c.2509C>A on transcript NM_000179.3 (MANE Select); coding-DNA position 2509, C replaced by A.
Protein change: p.His837Asn; replaces histidine 837 with asparagine.
Molecular consequence: missense variant.
Genome position (GRCh38, 1-based): chr2:47,800,492, C>A. VCF-style: chr2-47800492-C-A. GRCh37 (hg19) VCF-style: chr2-48027631-C-A.
Other names: c.2119C>A, p.His707Asn (NM_001281492.2); c.1603C>A, p.His535Asn (NM_001281493.2, NM_001281494.2); short protein forms H535N, H707N, H837N.
Identifiers: ClinVar variation 821395 (VCV000821395.16), dbSNP rs777593472, ClinGen allele CA346754287.